The following is an entry in ClinVar:

NM_000406.3(GNRHR):c.453C>T (p.Ser151=)

Gene: GNRHR (gonadotropin releasing hormone receptor; minus strand). Cytogenetic location: 4q13.2.
Variant type: single nucleotide variant.
Coding change: c.453C>T on transcript NM_000406.3 (MANE Select); coding-DNA position 453, C replaced by T.
Protein change: p.Ser151=; no amino-acid change (serine 151 retained).
Molecular consequence: synonymous variant.
Genome position (GRCh38, 1-based): chr4:67,753,883, G>A on the plus strand (C>T on the coding strand, the complement: GNRHR is on the minus strand). VCF-style: chr4-67753883-G-A. GRCh37 (hg19) VCF-style: chr4-68619601-G-A.
Other names: c.453C>T, p.Ser151= (NM_001012763.2).
Identifiers: ClinVar variation 349456 (VCV000349456.17), dbSNP rs4986942, ClinGen allele CA2938938.

ClinVar aggregate classification (germline): Benign/Likely benign. Review status: criteria provided, multiple submitters, no conflicts (2 of 4 stars). 6 submissions from 6 submitters: Benign (5); Likely benign (1). Last evaluated 2026-02-02.

Conditions:
Hypogonadotropic hypogonadism 7 with or without anosmia (HH7). Also called: HYPOGONADOTROPIC HYPOGONADISM 7 WITHOUT ANOSMIA; GNRHR-Related GnRH Deficiency. Identifiers: Orphanet 432, MedGen C0342384, MONDO:0007794, OMIM 146110.

Allele frequency attached by ClinVar (database versions not stated): 1000 Genomes Project 0.06649; 1000 Genomes Project 30x 0.06902; gnomAD exomes 0.07550 and 0.08618; ExAC 0.07593; gnomAD 0.08493 and 0.08705; TOPMed 0.09248; ESP Exome Variant Server 0.10141.
gnomAD v4.1: 138,592 of 1,613,558 alleles (8.6%); highest among the groups gnomAD compares: African/African-American, 10%; 6,507 homozygotes.

Submissions (13):

Labcorp Genetics (formerly Invitae), Labcorp
Classification: Benign. Last evaluated: 2026-02-02. Review status: criteria provided, single submitter. Criteria: Invitae Variant Classification Sherloc (09022015). Collection method: clinical testing. Allele origin: germline.

Blueprint Genetics
Classification: Likely benign. Last evaluated: 2024-11-26. Review status: criteria provided, single submitter. Criteria: ACMG Guidelines, 2015. Collection method: clinical testing. Allele origin: germline.

Illumina Laboratory Services, Illumina
Classification: Benign for Hypogonadotropic hypogonadism 7 with or without anosmia. Last evaluated: 2018-01-13. Review status: criteria provided, single submitter. Criteria: ICSL Variant Classification Criteria 13 December 2019. Collection method: clinical testing. Allele origin: germline.
Comment: This variant was observed in the ICSL laboratory as part of a predisposition screen in an ostensibly healthy population. It had not been previously curated by ICSL or reported in the Human Gene Mutation Database (HGMD: prior to June 1st, 2018), and was therefore a candidate for classification through an automated scoring system. Utilizing variant allele frequency, disease prevalence and penetrance estimates, and inheritance mode, an automated score was calculated to assess if this variant is too frequent to cause the disease. Based on the score and internal cut-off values, a variant classified as benign is not then subjected to further curation. The score for this variant resulted in a classification of benign for this disease.

Athena Diagnostics
Classification: Benign. Last evaluated: 2017-07-27. Review status: criteria provided, single submitter. Criteria: Athena Diagnostics Criteria. Collection method: clinical testing. Allele origin: germline.

GeneDx
Classification: Benign. Last evaluated: 2015-03-03. Review status: criteria provided, single submitter. Criteria: GeneDx Variant Classification Process June 2021. Collection method: clinical testing. Allele origin: germline. Affected: yes.

Breakthrough Genomics
Classification: Benign. Review status: criteria provided, single submitter. Criteria: ACMG Guidelines, 2015. Collection method: not provided. Allele origin: germline. Inheritance: Autosomal recessive inheritance. Affected: yes.

Dr. Peter K. Rogan Lab, Western University
No classification provided (evidence only). Condition: Thymoma. Review status: no classification provided. Collection method: in vitro. Allele origin: not applicable. Functional consequence: retained intron. Not counted in ClinVar's aggregate classification.

Dr. Peter K. Rogan Lab, Western University
No classification provided (evidence only). Condition: Thymoma. Review status: no classification provided. Collection method: in vitro. Allele origin: not applicable. Functional consequence: retained intron. Not counted in ClinVar's aggregate classification.

Dr. Peter K. Rogan Lab, Western University
No classification provided (evidence only). Condition: Thymoma. Review status: no classification provided. Collection method: in vitro. Allele origin: not applicable. Functional consequence: retained intron. Not counted in ClinVar's aggregate classification.

Dr. Peter K. Rogan Lab, Western University
No classification provided (evidence only). Condition: Cholangiocarcinoma. Review status: no classification provided. Collection method: in vitro. Allele origin: not applicable. Functional consequence: retained intron. Not counted in ClinVar's aggregate classification.

Dr. Peter K. Rogan Lab, Western University
No classification provided (evidence only). Condition: Cholangiocarcinoma. Review status: no classification provided. Collection method: in vitro. Allele origin: not applicable. Functional consequence: retained intron. Not counted in ClinVar's aggregate classification.

Dr. Peter K. Rogan Lab, Western University
No classification provided (evidence only). Condition: Adrenocortical carcinoma, hereditary. Review status: no classification provided. Collection method: in vitro. Allele origin: not applicable. Functional consequence: retained intron. Not counted in ClinVar's aggregate classification.

Dr. Peter K. Rogan Lab, Western University
No classification provided (evidence only). Condition: Uveal melanoma. Review status: no classification provided. Collection method: in vitro. Allele origin: not applicable. Functional consequence: retained intron. Not counted in ClinVar's aggregate classification.